The following is an entry in ClinVar:

ClinVar aggregate classification (germline): Likely benign. Review status: criteria provided, single submitter (1 of 4 stars). 2 submissions from 2 submitters: Likely benign (1). 1 of the submissions does not count toward it. Last evaluated 2025-10-05.

Conditions:
CLCN1-related disorder. Also called: CLCN1-related condition.
Congenital myotonia, autosomal dominant form (THD). Also called: THOMSEN DISEASE; Myotonia congenita autosomal dominant. Identifiers: Orphanet 614, MedGen C2936781, MONDO:0008055, OMIM 160800.
Congenital myotonia, autosomal recessive form. Also called: BECKER DISEASE; Becker Generalized Myotonia; myotonia congenita, autosomal recessive. Identifiers: Orphanet 614, MedGen C0751360, MONDO:0009715, OMIM 255700.

Allele frequency attached by ClinVar (database versions not stated): gnomAD exomes 0.00001 and 0.00004; gnomAD 0.00004; TOPMed 0.00005.
gnomAD v4.1: 66 of 1,611,596 alleles (0.0041%); highest among the groups gnomAD compares: Non-Finnish European, 0.0055%; no homozygotes.

Submissions (2):

Labcorp Genetics (formerly Invitae), Labcorp
Classification: Likely benign for Congenital myotonia, autosomal recessive form; Congenital myotonia, autosomal dominant form. Last evaluated: 2025-10-05. Review status: criteria provided, single submitter. Criteria: Invitae Variant Classification Sherloc (09022015). Collection method: clinical testing. Allele origin: germline.

PreventionGenetics, part of Exact Sciences
Classification: Likely benign for CLCN1-related condition. Last evaluated: 2020-04-27. Review status: no assertion criteria provided. Collection method: clinical testing. Allele origin: germline. Not counted in ClinVar's aggregate classification.
Comment: This variant is classified as likely benign based on ACMG/AMP sequence variant interpretation guidelines (Richards et al. 2015 PMID: 25741868, with internal and published modifications).

NM_000083.3(CLCN1):c.780A>G (p.Pro260=)

Gene: CLCN1 (chloride voltage-gated channel 1; plus strand). Cytogenetic location: 7q34.
Variant type: single nucleotide variant.
Coding change: c.780A>G on transcript NM_000083.3 (MANE Select); coding-DNA position 780, A replaced by G.
Protein change: p.Pro260=; no amino-acid change (proline 260 retained).
Molecular consequence: synonymous variant. On other transcripts: non-coding transcript variant (1).
Genome position (GRCh38, 1-based): chr7:143,324,419, A>G. VCF-style: chr7-143324419-A-G. GRCh37 (hg19) VCF-style: chr7-143021512-A-G.
Identifiers: ClinVar variation 697714 (VCV000697714.10), dbSNP rs1339281633, ClinGen allele CA458296148.
Genomic context (GRCh38, chr7:143,324,419, plus strand): 5'-GCCTGCCCACCTCCCTCTCTTCCACCTGTTTCTCTGTCTGTCTCTCCCCTAGTAGCAGCC[A>G]TACTACTACTCTGATATCCTGACGGTGGGCTGTGCTGTGGGAGTCGGCTGTTGTTTTGGG-3'
Protein context (NP_000074.3, residues 250-270): MSVFCGVYEQ[Pro260=]YYYSDILTVG